The following is an entry in ClinVar:

NM_002474.3(MYH11):c.1018G>A (p.Glu340Lys)

Gene: MYH11 (myosin heavy chain 11; minus strand). Cytogenetic location: 16p13.11.
Variant type: single nucleotide variant.
Coding change: c.1018G>A on transcript NM_002474.3 (MANE Select); coding-DNA position 1018, G replaced by A.
Protein change: p.Glu340Lys; replaces glutamic acid 340 with lysine.
Molecular consequence: missense variant.
Genome position (GRCh38, 1-based): chr16:15,771,584, C>T on the plus strand (G>A on the coding strand, the complement: MYH11 is on the minus strand). VCF-style: chr16-15771584-C-T. GRCh37 (hg19) VCF-style: chr16-15865441-C-T.
Other names: c.1039G>A, p.Glu347Lys (NM_001040113.2, NM_001040114.2); c.1018G>A, p.Glu340Lys (NM_022844.3); short protein forms E340K, E347K.
Identifiers: ClinVar variation 923676 (VCV000923676.10), dbSNP rs145768331, ClinGen allele CA7922756.

ClinVar aggregate classification (germline): Conflicting classifications of pathogenicity. Review status: criteria provided, conflicting classifications (1 of 4 stars). 4 submissions from 4 submitters: Uncertain significance (3); Likely benign (1). Last evaluated 2024-09-23.

Conditions:
Familial thoracic aortic aneurysm and aortic dissection (TAAD). Also called: Thoracic aortic aneurysms and dissections. Identifiers: Orphanet 91387, MedGen C4707243, MONDO:0019625.

Allele frequency attached by ClinVar (database versions not stated): gnomAD exomes 0.00001 and 0.00003; TOPMed 0.00001; ExAC 0.00002; gnomAD 0.00003; ESP Exome Variant Server 0.00008.
gnomAD v4.1: 19 of 1,613,800 alleles (0.0012%); highest among the groups gnomAD compares: South Asian, 0.012%; no homozygotes.

Submissions (4):

All of Us Research Program, National Institutes of Health
Classification: Uncertain significance for Familial thoracic aortic aneurysm and aortic dissection. Last evaluated: 2024-09-23. Review status: criteria provided, single submitter. Criteria: ACMG Guidelines, 2015. Collection method: clinical testing. Allele origin: germline. Inheritance: Autosomal dominant inheritance. Observed: 5 variant alleles, 5 heterozygotes.
Comment: Variant of Uncertain Significance due to insufficient evidence: This missense variant is located in the myosin motor domain of the MYH11 protein. Computational prediction tools and conservation analyses are inconclusive regarding the impact of this variant on the protein function. Computational splicing tools suggest that this variant may not impact RNA splicing. To our knowledge, functional assays have not been performed for this variant nor has this variant been reported in individuals affected with cardiovascular disorders in the literature. This variant has been identified in 3/246250 chromosomes in the general population by the Genome Aggregation Database (gnomAD). Available evidence is insufficient to determine the pathogenicity of this variant conclusively.

This study involves interpretation of variants in research participants for the purpose of population health screening. Participant phenotype was not available at the time of variant classification. Additional details can be found in publication PMID: 35346344, PMCID: PMC8962531

Color Diagnostics, LLC DBA Color Health
Classification: Uncertain significance for Familial thoracic aortic aneurysm and aortic dissection. Last evaluated: 2024-05-19. Review status: criteria provided, single submitter. Criteria: ACMG Guidelines, 2015. Collection method: clinical testing. Allele origin: germline.
Comment: This missense variant replaces glutamic acid with lysine at codon 347 of the MYH11 protein. Computational prediction tools indicate that this variant has a neutral impact on protein structure and function. To our knowledge, functional studies have not been reported for this variant. This variant has not been reported in individuals affected with MYH11-related disorders in the literature. This variant has been identified in 3/251474 chromosomes in the general population by the Genome Aggregation Database (gnomAD). The available evidence is insufficient to determine the role of this variant in disease conclusively. Therefore, this variant is classified as a Variant of Uncertain Significance.

Blueprint Genetics
Classification: Likely benign. Last evaluated: 2022-10-06. Review status: criteria provided, single submitter. Criteria: ACMG Guidelines, 2015. Collection method: clinical testing. Allele origin: germline.

Ambry Genetics
Classification: Uncertain significance for Familial thoracic aortic aneurysm and aortic dissection. Last evaluated: 2021-10-06. Review status: criteria provided, single submitter. Criteria: Ambry Variant Classification Scheme 2023. Collection method: clinical testing. Allele origin: germline.
Comment: The p.E340K variant (also known as c.1018G>A), located in coding exon 8 of the MYH11 gene, results from a G to A substitution at nucleotide position 1018. The glutamic acid at codon 340 is replaced by lysine, an amino acid with similar properties. This amino acid position is conserved. In addition, this alteration is predicted to be tolerated by in silico analysis. Since supporting evidence is limited at this time, the clinical significance of this alteration remains unclear.